The following is an entry in ClinVar:

ClinVar aggregate classification (germline): Uncertain significance. Review status: criteria provided, multiple submitters, no conflicts (2 of 4 stars). 3 submissions from 3 submitters: Uncertain significance (3). Last evaluated 2025-12-22.

Conditions:
Norman-Roberts syndrome (LIS2). Also called: Lissencephaly 2 (Norman-Roberts type). Identifiers: Orphanet 89844, MedGen C0796089, MONDO:0009760, OMIM 257320.
Familial temporal lobe epilepsy 7. Identifiers: Orphanet 101046, MedGen C4225327, MONDO:0014639, OMIM 616436.
Inborn genetic diseases. Identifiers: MedGen C0950123, MeSH D030342.

Allele frequency attached by ClinVar (database versions not stated): gnomAD 0.00001; TOPMed 0.00001; gnomAD exomes 0.00002.
gnomAD v4.1: 14 of 1,613,982 alleles (0.00087%); highest among the groups gnomAD compares: Non-Finnish European, 0.0011%; no homozygotes.

Submissions (3):

Labcorp Genetics (formerly Invitae), Labcorp
Classification: Uncertain significance for Familial temporal lobe epilepsy 7; Norman-Roberts syndrome. Last evaluated: 2025-12-22. Review status: criteria provided, single submitter. Criteria: Invitae Variant Classification Sherloc (09022015). Collection method: clinical testing. Allele origin: germline.
Comment: This sequence change replaces glycine, which is neutral and non-polar, with valine, which is neutral and non-polar, at codon 2156 of the RELN protein (p.Gly2156Val). This variant is not present in population databases (gnomAD no frequency). This variant has not been reported in the literature in individuals affected with RELN-related conditions. ClinVar contains an entry for this variant (Variation ID: 1423283). Invitae Evidence Modeling of protein sequence and biophysical properties (such as structural, functional, and spatial information, amino acid conservation, physicochemical variation, residue mobility, and thermodynamic stability) has been performed for this missense variant. However, the output from this modeling did not meet the statistical confidence thresholds required to predict the impact of this variant on RELN protein function. In summary, the available evidence is currently insufficient to determine the role of this variant in disease. Therefore, it has been classified as a Variant of Uncertain Significance.

Ambry Genetics
Classification: Uncertain significance for Inborn genetic diseases. Last evaluated: 2024-12-13. Review status: criteria provided, single submitter. Criteria: Ambry Variant Classification Scheme 2023. Collection method: clinical testing. Allele origin: germline.

Women's Health and Genetics/Laboratory Corporation of America, LabCorp
Classification: Uncertain significance. Last evaluated: 2023-08-25. Review status: criteria provided, single submitter. Criteria: LabCorp Variant Classification Summary - May 2015. Collection method: clinical testing. Allele origin: germline.
Comment: Variant summary: RELN c.6467G>T (p.Gly2156Val) results in a non-conservative amino acid change located in the EGF-like domain (IPR000742) of the encoded protein sequence. Five of five in-silico tools predict a damaging effect of the variant on protein function. The variant was absent in 251396 control chromosomes (gnomAD). The available data on variant occurrences in the general population are insufficient to allow any conclusion about variant significance. To our knowledge, no occurrence of c.6467G>T in individuals affected with Epilepsy Familial Temporal Lobe 7 and no experimental evidence demonstrating its impact on protein function have been reported. One ClinVar submitter has assessed the variant since 2014, and classified the variant as uncertain significance. Based on the evidence outlined above, the variant was classified as uncertain significance.

NM_005045.4(RELN):c.6467G>T (p.Gly2156Val)

Gene: RELN (reelin; minus strand). Cytogenetic location: 7q22.1.
Variant type: single nucleotide variant.
Coding change: c.6467G>T on transcript NM_005045.4 (MANE Select); coding-DNA position 6467, G replaced by T.
Protein change: p.Gly2156Val; replaces glycine 2156 with valine.
Molecular consequence: missense variant.
Genome position (GRCh38, 1-based): chr7:103,545,180, C>A on the plus strand (G>T on the coding strand, the complement: RELN is on the minus strand). VCF-style: chr7-103545180-C-A. GRCh37 (hg19) VCF-style: chr7-103185627-C-A.
Other names: c.6467G>T, p.Gly2156Val (NM_173054.3); c.6467G>T (NM_005045.3); short protein forms G2156V.
Identifiers: ClinVar variation 1423283 (VCV001423283.9), dbSNP rs1830260428, ClinGen allele CA368770945.